The following is an entry in ClinVar:

NM_133433.4(NIPBL):c.3097A>G (p.Asn1033Asp)

Gene: NIPBL (NIPBL cohesin loading factor; plus strand). Cytogenetic location: 5p13.2.
Variant type: single nucleotide variant.
Coding change: c.3097A>G on transcript NM_133433.4 (MANE Select); coding-DNA position 3097, A replaced by G.
Protein change: p.Asn1033Asp; replaces asparagine 1033 with aspartic acid.
Molecular consequence: missense variant.
Genome position (GRCh38, 1-based): chr5:36,986,277, A>G. VCF-style: chr5-36986277-A-G. GRCh37 (hg19) VCF-style: chr5-36986379-A-G.
Other names: c.3097A>G, p.Asn1033Asp (NM_001438586.1, NM_015384.5); short protein forms N1033D.
Identifiers: ClinVar variation 5002713 (VCV005002713.1).

ClinVar aggregate classification (germline): Uncertain significance (1 of 4 stars; one submission).

Conditions:
Cornelia de Lange syndrome 1 (CDLS1). Also called: TYPUS DEGENERATIVUS AMSTELODAMENSIS; Brachmann de Lange syndrome; NIPBL-Related Cornelia de Lange Syndrome. Identifiers: Orphanet 199, MedGen C4551851, MONDO:0007387, OMIM 122470.

Submission:

OLLIN Analises Genomicas, OLLIN
Classification: Uncertain significance for Cornelia de Lange syndrome 1. Last evaluated: 2026-08-06. Review status: criteria provided, single submitter. Criteria: ACMG Guidelines 2015 PMID 25741868. Collection method: clinical testing. Allele origin: germline. Inheritance: Autosomal dominant inheritance.
Comment: This missense variant, located in exon 10 (of 47), is absent from gnomAD and ClinVar and has not been identified in the literature. In silico analysis predicts that this variant has a tolerated effect. This gene is constrained for missense variation. According to the currently available evidence, this variant has been classified as uncertain significance (PM2_P, PP2, BP4).